The following is an entry in ClinVar:

NM_000257.4(MYH7):c.541G>A (p.Gly181Arg)

Gene: MYH7 (myosin heavy chain 7; minus strand). Cytogenetic location: 14q11.2.
Variant type: single nucleotide variant.
Coding change: c.541G>A on transcript NM_000257.4 (MANE Select); coding-DNA position 541, G replaced by A.
Protein change: p.Gly181Arg; replaces glycine 181 with arginine.
Molecular consequence: missense variant.
Genome position (GRCh38, 1-based): chr14:23,431,859, C>T on the plus strand (G>A on the coding strand, the complement: MYH7 is on the minus strand). VCF-style: chr14-23431859-C-T. GRCh37 (hg19) VCF-style: chr14-23901068-C-T.
Other names: c.541G>A (NM_000257.2); short protein forms G181R.
Identifiers: ClinVar variation 619082 (VCV000619082.17), dbSNP rs760187215, ClinGen allele CA046725.
Genomic context (GRCh38, chr14:23,431,859, plus strand): 5'-TGGCTGCAATAACAGCAAAGTACTGGATGACCCTCTTGGTGTTGACTGTCTTCCCTGCTC[C>T]GGATTCTCCGCTGTGAAGACAGGGGCTTATTGGGCAGTGAACAATACTACTGGAGACCAG-3'
Protein context (NP_000248.2, residues 171-191): NQSILITGES[Gly181Arg]AGKTVNTKRV

ClinVar aggregate classification (germline): Conflicting classifications of pathogenicity. Review status: criteria provided, conflicting classifications (1 of 4 stars). 11 submissions from 7 submitters: Likely pathogenic (2); Uncertain significance (9). Last evaluated 2025-09-02.

Conditions:
Primary dilated cardiomyopathy (DCM). Also called: Dilated Cardiomyopathy. Identifiers: Orphanet 217604, MedGen C0007193, MeSH D002311, MONDO:0005021, HP:0001644. Inheritance: Various modes of inheritance.
Left ventricular noncompaction cardiomyopathy. Also called: left ventricular non-compaction cardiomyopathy. Identifiers: MedGen C4021133, HP:0011664.
Cardiovascular phenotype. Identifiers: MedGen CN230736.
Cardiomyopathy (CMYO). Also called: Cardiomyopathies. Identifiers: Orphanet 167848, MedGen C0878544, MONDO:0004994, HP:0001638. Inheritance: Various modes of inheritance.
Myopathy, myosin storage, autosomal recessive (CMYO7B). Also called: CONGENITAL MYOPATHY 7B, MYOSIN STORAGE, AUTOSOMAL RECESSIVE. Identifiers: Orphanet 636970, MedGen C1850709, MONDO:0009708, OMIM 255160.
Dilated cardiomyopathy 1S (CMD1S). Identifiers: Orphanet 154, Orphanet 54260, MedGen C1834481, MONDO:0013262, OMIM 613426.
MYH7-related disorder. Also called: MYH7-related condition; MYH7-related disease; MYH7-related disorders.
Myosin storage myopathy (CMYO7A). Also called: MYOPATHY WITH LYSIS OF TYPE I MYOFIBRILS; MYH7-related late-onset scapuloperoneal muscular dystrophy; Congenital myopathy 7A, myosin storage, autosomal dominant; SCAPULOPERONEAL MUSCULAR DYSTROPHY; SCAPULOPERONEAL SYNDROME, MYOPATHIC TYPE; Scapuloperoneal myopathy, MYH7-related. Identifiers: Orphanet 437572, Orphanet 636965, MedGen C1842160, MONDO:0008409, OMIM 608358.
MYH7-related skeletal myopathy. Also called: Laing distal myopathy; Laing early-onset distal myopathy; Myopathy, distal, 1; MYOPATHY, DISTAL, EARLY-ONSET, AUTOSOMAL DOMINANT; MYOPATHY, LATE DISTAL HEREDITARY. Identifiers: Orphanet 59135, MedGen C4552004, MONDO:0008050, OMIM 160500.
Hypertrophic cardiomyopathy. Also called: HYPERTROPHIC MYOCARDIOPATHY. Identifiers: Orphanet 217569, MedGen C0007194, MeSH D002312, MONDO:0005045, HP:0001639.
Hypertrophic cardiomyopathy 1 (CMH1). Also called: Familial hypertrophic cardiomyopathy 1; MYH7-Related Familial Hypertrophic Cardiomyopathy. Identifiers: MedGen C3495498, MONDO:0008647, OMIM 192600.

Allele frequency attached by ClinVar (database versions not stated): gnomAD exomes below 0.00001 and 0.00001; ExAC 0.00001.
gnomAD v4.1: 7 of 1,614,232 alleles (0.00043%); highest among the groups gnomAD compares: South Asian, 0.0011%; no homozygotes.

Submissions (11):

Labcorp Genetics (formerly Invitae), Labcorp
Classification: Uncertain significance for Hypertrophic cardiomyopathy. Last evaluated: 2025-09-02. Review status: criteria provided, single submitter. Criteria: Invitae Variant Classification Sherloc (09022015). Collection method: clinical testing. Allele origin: germline.
Comment: This sequence change replaces glycine, which is neutral and non-polar, with arginine, which is basic and polar, at codon 181 of the MYH7 protein (p.Gly181Arg). This variant is present in population databases (rs760187215, gnomAD 0.003%). This missense change has been observed in individual(s) with autosomal dominant MYH7-related conditions (PMID: 27532257, 29447731, 34935411, 37652022). ClinVar contains an entry for this variant (Variation ID: 619082). Invitae Evidence Modeling of protein sequence and biophysical properties (such as structural, functional, and spatial information, amino acid conservation, physicochemical variation, residue mobility, and thermodynamic stability) indicates that this missense variant is expected to disrupt MYH7 protein function with a positive predictive value of 95%. In summary, the available evidence is currently insufficient to determine the role of this variant in disease. Therefore, it has been classified as a Variant of Uncertain Significance.

Women's Health and Genetics/Laboratory Corporation of America, LabCorp
Classification: Uncertain significance. Last evaluated: 2024-12-20. Review status: criteria provided, single submitter. Criteria: LabCorp Variant Classification Summary - May 2015. Collection method: clinical testing. Allele origin: germline.
Comment: Variant summary: MYH7 c.541G>A (p.Gly181Arg) results in a non-conservative amino acid change in the encoded protein sequence. Five of five in-silico tools predict a damaging effect of the variant on protein function. The variant allele was found at a frequency of 8e-06 in 251478 control chromosomes (gnomAD). The available data on variant occurrences in the general population are insufficient to allow any conclusion about variant significance. c.541G>A has been reported in the literature in individuals affected with Dilated Cardiomyopathy (Walsh_2017, Khan_2021, McGurk_2023). These reports do not provide unequivocal conclusions about association of the variant with Cardiomyopathy. To our knowledge, no experimental evidence demonstrating an impact on protein function has been reported. The following publications have been ascertained in the context of this evaluation (PMID: 27318203, 28606303, 34935411, 37652022, 27532257, 29447731). ClinVar contains an entry for this variant (Variation ID: 619082). Based on the evidence outlined above, the variant was classified as uncertain significance.

Blueprint Genetics
Classification: Likely pathogenic for MYH7-related disorders. Last evaluated: 2024-08-19. Review status: criteria provided, single submitter. Criteria: ACMG Guidelines, 2015. Collection method: clinical testing. Allele origin: germline. Affected: yes. Observed: 5 variant alleles.

Ambry Genetics
Classification: Uncertain significance for Cardiovascular phenotype. Last evaluated: 2024-07-18. Review status: criteria provided, single submitter. Criteria: Ambry Variant Classification Scheme 2023. Collection method: clinical testing. Allele origin: germline.
Comment: The p.G181R variant (also known as c.541G>A), located in coding exon 5 of the MYH7 gene, results from a G to A substitution at nucleotide position 541. The glycine at codon 181 is replaced by arginine, an amino acid with dissimilar properties. This variant has been detected in individuals reported to have dilated and/or noncompaction cardiomyopathy; however, clinical details were limited (Walsh R et al. Genet. Med., 2017 02;19:192-203; van Waning JI et al. J Am Coll Cardiol. 2018 Feb;71(7):711-722; Khan RS et al. J Am Heart Assoc. 2022 Jan;11(1):e022854; Ambry internal data). This amino acid position is highly conserved in available vertebrate species. In addition, this alteration is predicted to be deleterious by in silico analysis. Since supporting evidence is limited at this time, the clinical significance of this alteration remains unclear.

Baylor Genetics
Classification: Uncertain significance for Myopathy, myosin storage, autosomal recessive. Last evaluated: 2023-03-01. Review status: criteria provided, single submitter. Criteria: ACMG Guidelines, 2015. Collection method: clinical testing. Allele origin: unknown.

Baylor Genetics
Classification: Uncertain significance for Myosin storage myopathy. Last evaluated: 2023-03-01. Review status: criteria provided, single submitter. Criteria: ACMG Guidelines, 2015. Collection method: clinical testing. Allele origin: unknown.

Baylor Genetics
Classification: Uncertain significance for MYH7-related skeletal myopathy. Last evaluated: 2023-03-01. Review status: criteria provided, single submitter. Criteria: ACMG Guidelines, 2015. Collection method: clinical testing. Allele origin: unknown.

Baylor Genetics
Classification: Uncertain significance for Hypertrophic cardiomyopathy 1. Last evaluated: 2023-03-01. Review status: criteria provided, single submitter. Criteria: ACMG Guidelines, 2015. Collection method: clinical testing. Allele origin: unknown.

Baylor Genetics
Classification: Uncertain significance for Dilated cardiomyopathy 1S. Last evaluated: 2023-03-01. Review status: criteria provided, single submitter. Criteria: ACMG Guidelines, 2015. Collection method: clinical testing. Allele origin: unknown.

CHEO Genetics Diagnostic Laboratory, Children's Hospital of Eastern Ontario
Classification: Uncertain significance for Cardiomyopathy. Last evaluated: 2021-06-03. Review status: criteria provided, single submitter. Criteria: ACMG Guidelines, 2015. Collection method: clinical testing. Allele origin: germline.

Petrovsky National Research Centre of Surgery, The Federal Agency for Scientific Organizations
Classification: Likely pathogenic for Primary dilated cardiomyopathy; Left ventricular noncompaction cardiomyopathy. Last evaluated: 2018-12-06. Review status: criteria provided, single submitter. Criteria: ACMG Guidelines, 2015. Collection method: research. Allele origin: unknown. Inheritance: Autosomal dominant inheritance. Affected: yes. Observed: 1 heterozygote.
Comment: The c.541G>A (p.G181R) variant was previously reported in HGMD database (CM1616486) as a DM(disease causing mutation) and in Atlas of Cardiac Genetic Variations. This is a rare variant with low frequency in population databases. Computational evidence supports a deleterious effect. Also c.541G>A (p.G181R) is located in a domain without benign variation (Walsh et al., 2017). We consider this evidence enough to classify c.541G>A (p.G181R) as likely pathogenic.

Literature cited by the submitters: PubMed 27532257 (cited by 3 submitters); PubMed 29447731 (cited by 3 submitters); PubMed 34935411 (cited by 3 submitters); PubMed 37652022 (cited by Labcorp Genetics (formerly Invitae), Labcorp and Women's Health and Genetics/Laboratory Corporation of America, LabCorp); PubMed 27318203 (cited by Women's Health and Genetics/Laboratory Corporation of America, LabCorp); PubMed 28606303 (cited by Women's Health and Genetics/Laboratory Corporation of America, LabCorp).